The following is an entry in ClinVar:

ClinVar aggregate classification (germline): Benign/Likely benign. Review status: criteria provided, multiple submitters, no conflicts (2 of 4 stars). 4 submissions from 4 submitters: Benign (1); Likely benign (3). Last evaluated 2025-12-08.

Conditions:
Hereditary cancer-predisposing syndrome. Also called: Tumor predisposition; Hereditary neoplastic syndrome; Neoplastic Syndromes, Hereditary; Hereditary Cancer Syndrome. Identifiers: Orphanet 140162, MedGen C0027672, MeSH D009386, MONDO:0015356.
Oligodontia-cancer predisposition syndrome. Also called: TOOTH AGENESIS-COLORECTAL CANCER SYNDROME. Identifiers: Orphanet 300576, MedGen C1837750, MONDO:0012075, OMIM 608615. Disease mechanism: loss of function.

Allele frequency attached by ClinVar (database versions not stated): gnomAD exomes below 0.00001; ExAC 0.00001; gnomAD 0.00001; TOPMed 0.00001.
gnomAD v4.1: 3 of 1,614,030 alleles (0.00019%); highest among the groups gnomAD compares: African/African-American, 0.0013%; no homozygotes.

Submissions (4):

Labcorp Genetics (formerly Invitae), Labcorp
Classification: Likely benign for Oligodontia-cancer predisposition syndrome. Last evaluated: 2025-12-08. Review status: criteria provided, single submitter. Criteria: Invitae Variant Classification Sherloc (09022015). Collection method: clinical testing. Allele origin: germline.

Myriad Genetics, Inc.
Classification: Benign for Oligodontia-cancer predisposition syndrome. Last evaluated: 2024-06-28. Review status: criteria provided, single submitter. Criteria: Myriad Autosomal Dominant, Autosomal Recessive and X-Linked Classification Criteria (2023). Collection method: clinical testing. Allele origin: unknown.
Comment: This variant is considered benign. This variant is a silent/synonymous amino acid change and it is not expected to impact splicing.

Ambry Genetics
Classification: Likely benign for Hereditary cancer-predisposing syndrome. Last evaluated: 2019-10-07. Review status: criteria provided, single submitter. Criteria: Ambry Variant Classification Scheme 2023. Collection method: clinical testing. Allele origin: germline.

GeneDx
Classification: Likely benign. Last evaluated: 2018-04-27. Review status: criteria provided, single submitter. Criteria: GeneDx Variant Classification Process June 2021. Collection method: clinical testing. Allele origin: germline. Affected: yes.

NM_004655.4(AXIN2):c.1020T>C (p.Ser340=)

Gene: AXIN2 (axin 2; minus strand). Cytogenetic location: 17q24.1.
Variant type: single nucleotide variant.
Coding change: c.1020T>C on transcript NM_004655.4 (MANE Select); coding-DNA position 1020, T replaced by C.
Protein change: p.Ser340=; no amino-acid change (serine 340 retained).
Molecular consequence: synonymous variant.
Genome position (GRCh38, 1-based): chr17:65,541,494, A>G on the plus strand (T>C on the coding strand, the complement: AXIN2 is on the minus strand). VCF-style: chr17-65541494-A-G. GRCh37 (hg19) VCF-style: chr17-63537612-A-G.
Other names: c.1020T>C (LRG_296t1); c.1020T>C, p.Ser340= (NM_001363813.1).
Identifiers: ClinVar variation 378957 (VCV000378957.17), dbSNP rs768986730, ClinGen allele CA8718898.
Genomic context (GRCh38, chr17:65,541,494, plus strand): 5'-CTCACTCCAGACTGTACTCACCGGGAAATGAGGTAGAGACACTTGGCCATTGGCCTTCAC[A>G]CTGCGATGCATTTCTCTCTGGAGCTGTTTCTTACTGCCCACACGATAAGGAGGAATTCCA-3'
Protein context (NP_004646.3, residues 330-350): KKQLQREMHR[Ser340=]VKANGQVSLP